The following is an entry in ClinVar:

ClinVar aggregate classification (germline): Pathogenic (1 of 4 stars; one submission).

Conditions:
Familial thoracic aortic aneurysm and aortic dissection (TAAD). Also called: Thoracic aortic aneurysms and dissections. Identifiers: Orphanet 91387, MedGen C4707243, MONDO:0019625.

Submission:

Ambry Genetics
Classification: Pathogenic for Familial thoracic aortic aneurysm and aortic dissection. Last evaluated: 2023-05-01. Review status: criteria provided, single submitter. Criteria: Ambry Variant Classification Scheme 2023. Collection method: clinical testing. Allele origin: germline.
Comment: The c.7104_7105delGAinsTT pathogenic mutation (also known as p.R2369*), located in coding exon 57 of the FBN1 gene, results from a deletion of two nucleotides and insertion of two nucleotides at nucleotide positions 7104 to 7105. This changes the amino acid from an arginine to a stop codon within coding exon 57. This alteration has been observed in at least one individual reported to have Marfan syndrome (Ambry internal data). This variant is considered to be rare based on population cohorts in the Genome Aggregation Database (gnomAD). Based on the supporting evidence, this alteration is interpreted as a disease-causing mutation.

NM_000138.5(FBN1):c.7104_7105delinsTT (p.Arg2369Ter)

Gene: FBN1 (fibrillin 1; minus strand). Cytogenetic location: 15q21.1.
Variant type: Indel.
Coding change: c.7104_7105delinsTT on transcript NM_000138.5 (MANE Select); coding-DNA positions 7104 to 7105, GA replaced by TT.
Protein change: p.Arg2369Ter; replaces arginine 2369 with a stop codon.
Molecular consequence: nonsense.
Genome position (GRCh38, 1-based): chr15:48,427,666-48,427,667, TC replaced by AA on the plus strand (GA replaced by TT on the coding strand, the reverse complement: FBN1 is on the minus strand). VCF-style: chr15-48427666-TC-AA. GRCh37 (hg19) VCF-style: chr15-48719863-TC-AA.
Other names: c.7104_7105delinsTT, p.Arg2369Ter (NM_001406716.1); short protein forms R2369*.
Identifiers: ClinVar variation 2567915 (VCV002567915.2), dbSNP rs2505412368, ClinGen allele CA2580613822.